The following is an entry in ClinVar:

NM_021930.6(RINT1):c.1138G>C (p.Val380Leu)

Gene: RINT1 (RAD50 interactor 1; plus strand). Cytogenetic location: 7q22.3.
Variant type: single nucleotide variant.
Coding change: c.1138G>C on transcript NM_021930.6 (MANE Select); coding-DNA position 1138, G replaced by C.
Protein change: p.Val380Leu; replaces valine 380 with leucine.
Molecular consequence: missense variant. On other transcripts: non-coding transcript variant (1).
Genome position (GRCh38, 1-based): chr7:105,550,291, G>C. VCF-style: chr7-105550291-G-C. GRCh37 (hg19) VCF-style: chr7-105190738-G-C.
Other names: c.904G>C, p.Val302Leu (NM_001346599.2); c.115G>C, p.Val39Leu (NM_001346600.2, NM_001346603.2); c.214G>C, p.Val72Leu (NM_001346601.2); short protein forms V302L, V380L, V39L, V72L.
Identifiers: ClinVar variation 3227588 (VCV003227588.1), dbSNP rs1278571160, ClinGen allele CA368808850.

ClinVar aggregate classification (germline): Uncertain significance (1 of 4 stars; one submission).

Allele frequency attached by ClinVar (database versions not stated): gnomAD exomes below 0.00001.
gnomAD v4.1: 1 of 1,614,008 alleles (0.000062%); highest among the groups gnomAD compares: South Asian, 0.0011%; no homozygotes.

Submission:

Ambry Genetics
Classification: Uncertain significance. Last evaluated: 2024-02-13. Review status: criteria provided, single submitter. Criteria: Ambry Variant Classification Scheme 2023. Collection method: clinical testing. Allele origin: germline.
Comment: The p.V380L variant (also known as c.1138G>C), located in coding exon 9 of the RINT1 gene, results from a G to C substitution at nucleotide position 1138. The valine at codon 380 is replaced by leucine, an amino acid with highly similar properties. This amino acid position is conserved. In addition, this alteration is predicted to be tolerated by in silico analysis. Based on the available evidence, the clinical significance of this alteration remains unclear.